The following is an entry in ClinVar:

NM_000017.4(ACADS):c.1157G>A (p.Arg386His)

Gene: ACADS (acyl-CoA dehydrogenase short chain; plus strand). Cytogenetic location: 12q24.31.
Variant type: single nucleotide variant.
Coding change: c.1157G>A on transcript NM_000017.4 (MANE Select); coding-DNA position 1157, G replaced by A.
Protein change: p.Arg386His; replaces arginine 386 with histidine.
Molecular consequence: missense variant.
Genome position (GRCh38, 1-based): chr12:120,739,366, G>A. VCF-style: chr12-120739366-G-A. GRCh37 (hg19) VCF-style: chr12-121177169-G-A.
Other names: c.1145G>A, p.Arg382His (NM_001302554.2); short protein forms R386H, R382H.
Identifiers: ClinVar variation 1418253 (VCV001418253.7), dbSNP rs766183395, ClinGen allele CA312242.

ClinVar aggregate classification (germline): Conflicting classifications of pathogenicity. Review status: criteria provided, conflicting classifications (1 of 4 stars). 2 submissions from 2 submitters: Likely pathogenic (1); Uncertain significance (1). Last evaluated 2025-08-30.

Conditions:
Deficiency of butyryl-CoA dehydrogenase (ACADSD). Also called: ACYL-CoA DEHYDROGENASE, SHORT-CHAIN, DEFICIENCY OF; SCADH DEFICIENCY; SCAD DEFICIENCY, MILD; SCAD Deficiency; ACADS DEFICIENCY; Short-Chain Acyl-CoA Dehydrogenase Deficiency. Identifiers: Orphanet 26792, MedGen C0342783, MONDO:0008722, OMIM 201470. Disease mechanism: May be benign.

Allele frequency attached by ClinVar (database versions not stated): ExAC 0.00003; gnomAD exomes 0.00003 and 0.00004; TOPMed 0.00003; gnomAD 0.00005.
gnomAD v4.1: 66 of 1,612,844 alleles (0.0041%); highest among the groups gnomAD compares: South Asian, 0.0066%; no homozygotes.

Submissions (2):

Labcorp Genetics (formerly Invitae), Labcorp
Classification: Likely pathogenic for Deficiency of butyryl-CoA dehydrogenase. Last evaluated: 2025-08-30. Review status: criteria provided, single submitter. Criteria: Invitae Variant Classification Sherloc (09022015). Collection method: clinical testing. Allele origin: germline.
Comment: This sequence change replaces arginine, which is basic and polar, with histidine, which is basic and polar, at codon 386 of the ACADS protein (p.Arg386His). This variant is present in population databases (rs766183395, gnomAD 0.005%). This missense change has been observed in individual(s) with SCAD deficiency (PMID: 27466294). ClinVar contains an entry for this variant (Variation ID: 1418253). Invitae Evidence Modeling of protein sequence and biophysical properties (such as structural, functional, and spatial information, amino acid conservation, physicochemical variation, residue mobility, and thermodynamic stability) has been performed for this missense variant. However, the output from this modeling did not meet the statistical confidence thresholds required to predict the impact of this variant on ACADS protein function. This variant disrupts the p.Arg386 amino acid residue in ACADS. Other variant(s) that disrupt this residue have been determined to be pathogenic (PMID: 33391346; internal data). This suggests that this residue is clinically significant, and that variants that disrupt this residue are likely to be disease-causing. In summary, the currently available evidence indicates that the variant is pathogenic, but additional data are needed to prove that conclusively. Therefore, this variant has been classified as Likely Pathogenic.

Fulgent Genetics
Classification: Uncertain significance for Deficiency of butyryl-CoA dehydrogenase. Last evaluated: 2022-03-04. Review status: criteria provided, single submitter. Criteria: ACMG Guidelines, 2015. Collection method: clinical testing. Allele origin: unknown.

Literature cited by the submitters: PubMed 27466294 (cited by Labcorp Genetics (formerly Invitae), Labcorp); PubMed 33391346 (cited by Labcorp Genetics (formerly Invitae), Labcorp).